The following is an entry in ClinVar:

ClinVar aggregate classification (germline): Likely benign. Review status: criteria provided, multiple submitters, no conflicts (2 of 4 stars). 4 submissions from 4 submitters: Likely benign (3). 1 of the submissions does not count toward it. Last evaluated 2025-12-23.

Conditions:
HPS1-related disorder. Also called: HPS1-related condition.
Hermansky-Pudlak syndrome 1 (HPS1). Also called: DELTA STORAGE POOL DISEASE. Identifiers: Orphanet 231500, Orphanet 79430, MedGen C2931875, MONDO:0008748, OMIM 203300.

Allele frequency attached by ClinVar (database versions not stated): gnomAD 0.00002; gnomAD exomes 0.00003 and 0.00005; TOPMed 0.00003; ExAC 0.00005; ESP Exome Variant Server 0.00008; 1000 Genomes Project 30x 0.00016; 1000 Genomes Project 0.00020.
gnomAD v4.1: 47 of 1,614,212 alleles (0.0029%); highest among the groups gnomAD compares: East Asian, 0.0067%; 1 homozygote.

Submissions (4):

Labcorp Genetics (formerly Invitae), Labcorp
Classification: Likely benign. Last evaluated: 2025-12-23. Review status: criteria provided, single submitter. Criteria: Invitae Variant Classification Sherloc (09022015). Collection method: clinical testing. Allele origin: germline.

Blueprint Genetics
Classification: Likely benign. Last evaluated: 2023-12-28. Review status: criteria provided, single submitter. Criteria: ACMG Guidelines, 2015. Collection method: clinical testing. Allele origin: germline.

Fulgent Genetics
Classification: Likely benign for Hermansky-Pudlak syndrome 1. Last evaluated: 2021-10-26. Review status: criteria provided, single submitter. Criteria: ACMG Guidelines, 2015. Collection method: clinical testing. Allele origin: unknown.

PreventionGenetics, part of Exact Sciences
Classification: Likely benign for HPS1-related condition. Last evaluated: 2024-05-07. Review status: no assertion criteria provided. Collection method: clinical testing. Allele origin: germline. Not counted in ClinVar's aggregate classification.
Comment: This variant is classified as likely benign based on ACMG/AMP sequence variant interpretation guidelines (Richards et al. 2015 PMID: 25741868, with internal and published modifications).

NM_000195.5(HPS1):c.909A>G (p.Pro303=)

Gene: HPS1 (HPS1 biogenesis of lysosomal organelles complex 3 subunit 1; minus strand). Cytogenetic location: 10q24.2.
Variant type: single nucleotide variant.
Coding change: c.909A>G on transcript NM_000195.5 (MANE Select); coding-DNA position 909, A replaced by G.
Protein change: p.Pro303=; no amino-acid change (proline 303 retained).
Molecular consequence: synonymous variant. On other transcripts: 5 prime UTR variant (3), missense variant (2).
Genome position (GRCh38, 1-based): chr10:98,429,601, T>C on the plus strand (A>G on the coding strand, the complement: HPS1 is on the minus strand). VCF-style: chr10-98429601-T-C. GRCh37 (hg19) VCF-style: chr10-100189358-T-C.
Other names: c.-64A>G (NM_001311345.2, NM_001322487.2, NM_001322489.2); c.909A>G, p.Pro303= (NM_001322476.2, NM_001322477.2, NM_182639.4); c.810A>G, p.Pro270= (NM_001322478.2, NM_001322479.2, NM_001322491.2); c.648A>G, p.Pro216= (NM_001322480.2, NM_001322481.2); c.549A>G, p.Pro183= (NM_001322482.2); c.540A>G, p.Pro180= (NM_001322483.2, NM_001322484.2); c.441A>G, p.Pro147= (NM_001322485.2); c.791A>G, p.Gln264Arg (NM_001322490.2); and 2 more; short protein forms Q231R, Q264R.
Identifiers: ClinVar variation 1134391 (VCV001134391.12), dbSNP rs139169204, ClinGen allele CA5639225.